The following is an entry in ClinVar:

ClinVar aggregate classification (germline): Uncertain significance (1 of 4 stars; one submission).

Allele frequency attached by ClinVar (database versions not stated): gnomAD 0.00001; gnomAD exomes 0.00001; TOPMed 0.00002.
gnomAD v4.1: 5 of 1,448,978 alleles (0.00035%); highest among the groups gnomAD compares: East Asian, 0.003%; no homozygotes.

Submission:

Labcorp Genetics (formerly Invitae), Labcorp
Classification: Uncertain significance. Last evaluated: 2024-05-09. Review status: criteria provided, single submitter. Criteria: Invitae Variant Classification Sherloc (09022015). Collection method: clinical testing. Allele origin: germline.
Comment: This sequence change replaces proline, which is neutral and non-polar, with arginine, which is basic and polar, at codon 1102 of the GRIN2D protein (p.Pro1102Arg). This variant is present in population databases (no rsID available, gnomAD 0.02%). This variant has not been reported in the literature in individuals affected with GRIN2D-related conditions. ClinVar contains an entry for this variant (Variation ID: 1483683). Advanced modeling of protein sequence and biophysical properties (such as structural, functional, and spatial information, amino acid conservation, physicochemical variation, residue mobility, and thermodynamic stability) performed at Invitae indicates that this missense variant is not expected to disrupt GRIN2D protein function with a negative predictive value of 95%. In summary, the available evidence is currently insufficient to determine the role of this variant in disease. Therefore, it has been classified as a Variant of Uncertain Significance.

NM_000836.4(GRIN2D):c.3305C>G (p.Pro1102Arg)

Gene: GRIN2D (glutamate ionotropic receptor NMDA type subunit 2D; plus strand). Cytogenetic location: 19q13.33.
Variant type: single nucleotide variant.
Coding change: c.3305C>G on transcript NM_000836.4 (MANE Select); coding-DNA position 3305, C replaced by G.
Protein change: p.Pro1102Arg; replaces proline 1102 with arginine.
Molecular consequence: missense variant.
Genome position (GRCh38, 1-based): chr19:48,443,231, C>G. VCF-style: chr19-48443231-C-G. GRCh37 (hg19) VCF-style: chr19-48946488-C-G.
Other names: short protein forms P1102R.
Identifiers: ClinVar variation 1483683 (VCV001483683.8), dbSNP rs867250042, ClinGen allele CA406675502.